The following is an entry in ClinVar:

ClinVar aggregate classification (germline): Uncertain significance (1 of 4 stars; one submission).

Conditions:
RAB23-related disorder. Also called: RAB23-related condition.

gnomAD v4.1: 5 of 1,611,998 alleles (0.00031%); highest among the groups gnomAD compares: African/African-American, 0.0067%; no homozygotes.

Submission:

PreventionGenetics, part of Exact Sciences
Classification: Uncertain significance for RAB23-related condition. Last evaluated: 2025-02-17. Review status: criteria provided, single submitter. Criteria: ACMG Guidelines, 2015. Collection method: clinical testing. Allele origin: germline.
Comment: The RAB23 c.574+9A>G variant is predicted to interfere with splicing. To our knowledge, this variant has not been reported in the literature. This variant is reported in 0.012% of alleles in individuals of African descent in gnomAD. At this time, the clinical significance of this variant is uncertain due to the absence of conclusive functional and genetic evidence.

NM_016277.5(RAB23):c.574+9A>G

Gene: RAB23 (RAB23, member RAS oncogene family; minus strand). Cytogenetic location: 6p12.1.
Variant type: single nucleotide variant.
Coding change: c.574+9A>G on transcript NM_016277.5 (MANE Select); 9 bases into the intron after coding-DNA position 574, A replaced by G.
Molecular consequence: intron variant.
Genome position (GRCh38, 1-based): chr6:57,193,833, T>C on the plus strand (A>G on the coding strand, the complement: RAB23 is on the minus strand). VCF-style: chr6-57193833-T-C. GRCh37 (hg19) VCF-style: chr6-57058631-T-C.
Other names: c.574+9A>G (NM_001278666.2, NM_001278667.2, NM_001278668.2 and 1 more transcripts).
Identifiers: ClinVar variation 4981476 (VCV004981476.1).